The following is an entry in ClinVar:

ClinVar aggregate classification (germline): Uncertain significance. Review status: criteria provided, multiple submitters, no conflicts (2 of 4 stars). 3 submissions from 3 submitters: Uncertain significance (3). Last evaluated 2025-08-31.

Conditions:
Inborn genetic diseases. Identifiers: MedGen C0950123, MeSH D030342.
Spastic paraplegia. Identifiers: MedGen C0037772, HP:0001258.

Allele frequency attached by ClinVar (database versions not stated): TOPMed 0.00004.
gnomAD v4.1: 12 of 1,613,944 alleles (0.00074%); highest among the groups gnomAD compares: African/African-American, 0.004%; no homozygotes.

Submissions (3):

Labcorp Genetics (formerly Invitae), Labcorp
Classification: Uncertain significance for Spastic paraplegia. Last evaluated: 2025-08-31. Review status: criteria provided, single submitter. Criteria: Invitae Variant Classification Sherloc (09022015). Collection method: clinical testing. Allele origin: germline.
Comment: This sequence change replaces isoleucine, which is neutral and non-polar, with methionine, which is neutral and non-polar, at codon 109 of the KIF5A protein (p.Ile109Met). This variant is present in population databases (no rsID available, gnomAD 0.004%). This variant has not been reported in the literature in individuals affected with KIF5A-related conditions. ClinVar contains an entry for this variant (Variation ID: 849530). Invitae Evidence Modeling of protein sequence and biophysical properties (such as structural, functional, and spatial information, amino acid conservation, physicochemical variation, residue mobility, and thermodynamic stability) has been performed for this missense variant. However, the output from this modeling did not meet the statistical confidence thresholds required to predict the impact of this variant on KIF5A protein function. In summary, the available evidence is currently insufficient to determine the role of this variant in disease. Therefore, it has been classified as a Variant of Uncertain Significance.

Ambry Genetics
Classification: Uncertain significance for Inborn genetic diseases. Last evaluated: 2024-12-29. Review status: criteria provided, single submitter. Criteria: Ambry Variant Classification Scheme 2023. Collection method: clinical testing. Allele origin: germline.

Mayo Clinic Laboratories, Mayo Clinic
Classification: Uncertain significance. Last evaluated: 2023-10-09. Review status: criteria provided, single submitter. Criteria: ACMG Guidelines, 2015. Collection method: clinical testing. Allele origin: germline. Observed: 1 variant allele.

NM_004984.4(KIF5A):c.327T>G (p.Ile109Met)

Gene: KIF5A (kinesin family member 5A; plus strand). Cytogenetic location: 12q13.3.
Variant type: single nucleotide variant.
Coding change: c.327T>G on transcript NM_004984.4 (MANE Select); coding-DNA position 327, T replaced by G.
Protein change: p.Ile109Met; replaces isoleucine 109 with methionine.
Molecular consequence: missense variant. On other transcripts: intron variant (1).
Genome position (GRCh38, 1-based): chr12:57,564,143, T>G. VCF-style: chr12-57564143-T-G. GRCh37 (hg19) VCF-style: chr12-57957926-T-G.
Other names: p.Ile109Met; c.130-317T>G (NM_001354705.2); short protein forms I109M.
Identifiers: ClinVar variation 849530 (VCV000849530.13), dbSNP rs777103564, ClinGen allele CA385494463.
Genomic context (GRCh38, chr12:57,564,143, plus strand): 5'-ACTCTCAAATACCTTCACTCGCCAGGGAAAGCTGCACGACCCTCAGCTGATGGGAATCAT[T>G]CCTCGAATTGCCCGAGACATCTTCAACCACATCTACTCCATGGATGAGAACCTTGAGTTC-3'
Protein context (NP_004975.2, residues 99-119): KLHDPQLMGI[Ile109Met]PRIARDIFNH